The following is an entry in ClinVar:

ClinVar aggregate classification (germline): Likely benign (1 of 4 stars; one submission).

Submission:

CeGaT Center for Human Genetics Tuebingen
Classification: Likely benign. Last evaluated: 2025-02-01. Review status: criteria provided, single submitter. Criteria: CeGaT Center For Human Genetics Tuebingen Variant Classification Criteria Version 2. Collection method: clinical testing. Allele origin: germline. Affected: yes. Observed: 1 variant allele.
Comment: CHDH: PM4, BS2

NM_018397.5(CHDH):c.44_58del (p.Ala15_Leu19del)

Gene: CHDH (choline dehydrogenase; minus strand). Cytogenetic location: 3p21.1.
Variant type: Deletion.
Coding change: c.44_58del on transcript NM_018397.5 (MANE Select); coding-DNA positions 44 to 58, 15 bases deleted (CACGGGGAGCCCTGG).
Protein change: p.Ala15_Leu19del.
Genome position (GRCh38, 1-based): chr3:53,823,951-53,823,965, CCAGGGCTCCCCGTG deleted on the plus strand (CACGGGGAGCCCTGG on the coding strand, the reverse complement: CHDH is on the minus strand); deleting any 15 consecutive bases within chr3:53,823,951-53,823,975 gives the same sequence; the c. name uses the placement nearest the transcript's 3' end. VCF-style (leftmost placement, unchanged base first): chr3-53823950-CCCAGGGCTCCCCGTG-C. GRCh37 (hg19) VCF-style: chr3-53857977-CCCAGGGCTCCCCGTG-C.
Identifiers: ClinVar variation 3770399 (VCV003770399.13).